The following is an entry in ClinVar:

ClinVar aggregate classification (germline): Uncertain significance (1 of 4 stars; one submission).

Conditions:
Stormorken syndrome (STRMK). Also called: THROMBOCYTOPATHY, ASPLENIA, AND MIOSIS. Identifiers: Orphanet 3204, MedGen C1861451, MONDO:0008497, OMIM 185070.
Myopathy with tubular aggregates (TAM). Also called: Tubular Aggregate Myopathy. Identifiers: Orphanet 2593, MedGen C0410207, MONDO:0008051.
Combined immunodeficiency due to STIM1 deficiency. Also called: STIM1 DEFICIENCY; IMMUNODEFICIENCY 10. Identifiers: Orphanet 169090, Orphanet 317430, MedGen C2748557, MONDO:0013008, OMIM 612783.

Allele frequency attached by ClinVar (database versions not stated): ExAC 0.00001; gnomAD exomes 0.00001.
gnomAD v4.1: 11 of 1,614,172 alleles (0.00068%); highest among the groups gnomAD compares: South Asian, 0.0011%; no homozygotes.

Submission:

Labcorp Genetics (formerly Invitae), Labcorp
Classification: Uncertain significance for Myopathy with tubular aggregates; Combined immunodeficiency due to STIM1 deficiency; Stormorken syndrome. Last evaluated: 2021-04-13. Review status: criteria provided, single submitter. Criteria: Invitae Variant Classification Sherloc (09022015). Collection method: clinical testing. Allele origin: germline.
Comment: In summary, the available evidence is currently insufficient to determine the role of this variant in disease. Therefore, it has been classified as a Variant of Uncertain Significance. Algorithms developed to predict the effect of sequence changes on RNA splicing suggest that this variant may create or strengthen a splice site, but this prediction has not been confirmed by published transcriptional studies. Algorithms developed to predict the effect of missense changes on protein structure and function are either unavailable or do not agree on the potential impact of this missense change (SIFT: "Tolerated"; PolyPhen-2: "Possibly Damaging"; Align-GVGD: "Class C0"). This variant has not been reported in the literature in individuals with STIM1-related conditions. This variant is present in population databases (rs755714206, ExAC 0.001%). This sequence change replaces methionine with valine at codon 245 of the STIM1 protein (p.Met245Val). The methionine residue is moderately conserved and there is a small physicochemical difference between methionine and valine.

NM_001382567.1(STIM1):c.733A>G (p.Met245Val)

Gene: STIM1 (stromal interaction molecule 1; plus strand). Cytogenetic location: 11p15.4.
Variant type: single nucleotide variant.
Coding change: c.733A>G on transcript NM_001382567.1 (MANE Select); coding-DNA position 733, A replaced by G.
Protein change: p.Met245Val; replaces methionine 245 with valine.
Molecular consequence: missense variant. On other transcripts: non-coding transcript variant (2).
Genome position (GRCh38, 1-based): chr11:4,070,145, A>G. VCF-style: chr11-4070145-A-G. GRCh37 (hg19) VCF-style: chr11-4091375-A-G.
Other names: c.733A>G, p.Met245Val (NM_001277961.3, NM_001277962.2, NM_001382568.1 and 2 more transcripts); c.511A>G, p.Met171Val (NM_001382566.1, NM_001382573.1, NM_001382574.1 and 5 more transcripts); c.598A>G, p.Met200Val (NM_001382569.1); c.505A>G, p.Met169Val (NM_001382570.1); c.253A>G, p.Met85Val (NM_001382571.1); c.244A>G, p.Met82Val (NM_001382580.1, NM_001382581.1); short protein forms M82V, M169V, M171V, M200V, M85V, M245V.
Identifiers: ClinVar variation 1525838 (VCV001525838.8), dbSNP rs755714206, ClinGen allele CA5830302.